The following is an entry in ClinVar:

ClinVar aggregate classification (germline): Uncertain significance (1 of 4 stars; one submission).

Conditions:
Inborn genetic diseases. Identifiers: MedGen C0950123, MeSH D030342.

Allele frequency attached by ClinVar (database versions not stated): TOPMed below 0.00001; ExAC 0.00001.
gnomAD v4.1: 5 of 1,610,754 alleles (0.00031%); highest among the groups gnomAD compares: Non-Finnish European, 0.00042%; no homozygotes.

Submission:

Ambry Genetics
Classification: Uncertain significance for Inborn genetic diseases. Last evaluated: 2017-10-30. Review status: criteria provided, single submitter. Criteria: Ambry Variant Classification Scheme 2023. Collection method: clinical testing. Allele origin: germline.
Comment: The p.H1124N variant (also known as c.3370C>A), located in coding exon 16 of the CHD8 gene, results from a C to A substitution at nucleotide position 3370. The histidine at codon 1124 is replaced by asparagine, an amino acid with similar properties. This amino acid position is well conserved in available vertebrate species. In addition, the in silico prediction for this alteration is inconclusive. Since supporting evidence is limited at this time, the clinical significance of this alteration remains unclear.

NM_001170629.2(CHD8):c.3370C>A (p.His1124Asn)

Gene: CHD8 (chromodomain helicase DNA binding protein 8; minus strand). Cytogenetic location: 14q11.2.
Variant type: single nucleotide variant.
Coding change: c.3370C>A on transcript NM_001170629.2 (MANE Select); coding-DNA position 3370, C replaced by A.
Protein change: p.His1124Asn; replaces histidine 1124 with asparagine.
Molecular consequence: missense variant.
Genome position (GRCh38, 1-based): chr14:21,403,601, G>T on the plus strand (C>A on the coding strand, the complement: CHD8 is on the minus strand). VCF-style: chr14-21403601-G-T. GRCh37 (hg19) VCF-style: chr14-21871760-G-T.
Other names: c.2533C>A, p.His845Asn (NM_020920.4); short protein forms H1124N, H845N.
Identifiers: ClinVar variation 1730737 (VCV001730737.2), dbSNP rs765970153, ClinGen allele CA7091419.